The following is an entry in ClinVar:

ClinVar aggregate classification (germline): Likely benign (0 of 4 stars; one submission).

Conditions:
DNMT3A-related disorder. Also called: DNMT3A-related disorders; DNMT3A-related condition.

gnomAD v4.1: 1 of 1,519,816 alleles (0.000066%); highest among the groups gnomAD compares: Non-Finnish European, 0.000088%; no homozygotes.

Submission:

PreventionGenetics, part of Exact Sciences
Classification: Likely benign for DNMT3A-related condition. Last evaluated: 2022-10-11. Review status: no assertion criteria provided. Collection method: clinical testing. Allele origin: germline.
Comment: This variant is classified as likely benign based on ACMG/AMP sequence variant interpretation guidelines (Richards et al. 2015 PMID: 25741868, with internal and published modifications).

NM_022552.5(DNMT3A):c.178-6T>G

Gene: DNMT3A (DNA methyltransferase 3 alpha; minus strand). Cytogenetic location: 2p23.3.
Variant type: single nucleotide variant.
Coding change: c.178-6T>G on transcript NM_022552.5 (MANE Select); 6 bases into the intron before coding-DNA position 178, T replaced by G.
Molecular consequence: intron variant.
Genome position (GRCh38, 1-based): chr2:25,282,717, A>C on the plus strand (T>G on the coding strand, the complement: DNMT3A is on the minus strand). VCF-style: chr2-25282717-A-C. GRCh37 (hg19) VCF-style: chr2-25505586-A-C.
Other names: c.178-6T>G (NM_175629.2, NM_175630.1, NM_001320892.2).
Identifiers: ClinVar variation 3354036 (VCV003354036.1).
Genomic context (GRCh38, chr2:25,282,717, plus strand): 5'-TGGATGGGGACTTGGAGATCACCGCAGGGTCCTTTGGCGTGTCACCGCTTTCCACCTGCA[A>C]ATGTAAGAAAGATACACAAGAGGAGGGTTAGATCAGTGGGCTTAGCCTGTTTTGGATCAT-3'